The following is an entry in ClinVar:

ClinVar aggregate classification (germline): Uncertain significance. Review status: criteria provided, multiple submitters, no conflicts (2 of 4 stars). 2 submissions from 2 submitters: Uncertain significance (2). Last evaluated 2024-11-20.

Allele frequency attached by ClinVar (database versions not stated): TOPMed 0.00002; ExAC 0.00004; ESP Exome Variant Server 0.00015.
gnomAD v4.1: 45 of 1,613,206 alleles (0.0028%); highest among the groups gnomAD compares: Admixed American, 0.027%; no homozygotes.

Submissions (2):

Ambry Genetics
Classification: Uncertain significance. Last evaluated: 2024-11-20. Review status: criteria provided, single submitter. Criteria: Ambry Variant Classification Scheme 2023. Collection method: clinical testing. Allele origin: germline.

Labcorp Genetics (formerly Invitae), Labcorp
Classification: Uncertain significance. Last evaluated: 2022-02-12. Review status: criteria provided, single submitter. Criteria: Invitae Variant Classification Sherloc (09022015). Collection method: clinical testing. Allele origin: germline.
Comment: This sequence change replaces tyrosine, which is neutral and polar, with serine, which is neutral and polar, at codon 1126 of the RUSC2 protein (p.Tyr1126Ser). This variant is present in population databases (rs200770667, gnomAD 0.03%). This variant has not been reported in the literature in individuals affected with RUSC2-related conditions. Algorithms developed to predict the effect of missense changes on protein structure and function (SIFT, PolyPhen-2, Align-GVGD) all suggest that this variant is likely to be disruptive. In summary, the available evidence is currently insufficient to determine the role of this variant in disease. Therefore, it has been classified as a Variant of Uncertain Significance.

NM_014806.5(RUSC2):c.3377A>C (p.Tyr1126Ser)

Gene: RUSC2 (RUN and SH3 domain containing 2; plus strand). Cytogenetic location: 9p13.3.
Variant type: single nucleotide variant.
Coding change: c.3377A>C on transcript NM_014806.5 (MANE Select); coding-DNA position 3377, A replaced by C.
Protein change: p.Tyr1126Ser; replaces tyrosine 1126 with serine.
Molecular consequence: missense variant. On other transcripts: non-coding transcript variant (1).
Genome position (GRCh38, 1-based): chr9:35,559,261, A>C. VCF-style: chr9-35559261-A-C. GRCh37 (hg19) VCF-style: chr9-35559258-A-C.
Other names: c.3377A>C, p.Tyr1126Ser (NM_001135999.2); c.743A>C, p.Tyr248Ser (NM_001330740.2); c.3377A>C (NM_001135999.1); short protein forms Y248S, Y1126S.
Identifiers: ClinVar variation 1351882 (VCV001351882.7), dbSNP rs200770667, ClinGen allele CA5044139.
Genomic context (GRCh38, chr9:35,559,261, plus strand): 5'-ACTCTCTTCACCTGTCTCCCTACAGCATCCGGTCCCTGGAGTTCTGGTTTAATCACCTCT[A>C]TAACCACGAAGGTAATGCCTAGAACCCTGCAGGTCAAACTCAATGGGTCAGAATTCAGAG-3'
Protein context (NP_055621.2, residues 1116-1136): RSLEFWFNHL[Tyr1126Ser]NHEDIIQTHY